The following is an entry in ClinVar:

ClinVar aggregate classification (germline): Benign/Likely benign. Review status: criteria provided, multiple submitters, no conflicts (2 of 4 stars). 3 submissions from 3 submitters: Benign (1); Likely benign (2). Last evaluated 2026-01-12.

Conditions:
Short-rib thoracic dysplasia 14 with polydactyly (SRTD14). Identifiers: Orphanet 397715, MedGen C4225286, MONDO:0014688, OMIM 616546.
Joubert syndrome 23 (JBTS23). Identifiers: Orphanet 475, MedGen C4084822, MONDO:0014664, OMIM 616490.

Submissions (3):

Labcorp Genetics (formerly Invitae), Labcorp
Classification: Benign for Joubert syndrome 23; Short-rib thoracic dysplasia 14 with polydactyly. Last evaluated: 2026-01-12. Review status: criteria provided, single submitter. Criteria: Invitae Variant Classification Sherloc (09022015). Collection method: clinical testing. Allele origin: germline.

Women's Health and Genetics/Laboratory Corporation of America, LabCorp
Classification: Likely benign. Last evaluated: 2025-11-05. Review status: criteria provided, single submitter. Criteria: LabCorp Variant Classification Summary - May 2015. Collection method: clinical testing. Allele origin: germline.
Comment: Variant summary: KIAA0586 c.235+23delT is located at a position not widely known to affect splicing. Consensus agreement among computation tools predict no significant impact on normal splicing. However, these predictions have yet to be confirmed by functional studies. The variant allele was found at a frequency of 0.00028 in 244596 control chromosomes, predominantly at a frequency of 0.00047 within the Non-Finnish European subpopulation in the gnomAD database. This frequency is not significantly higher than estimated for disease-causing variants in KIAA0586, allowing no conclusion about variant significance. To our knowledge, no occurrence of c.235+23delT in individuals affected with KIAA0586-related conditions and no experimental evidence demonstrating its impact on protein function have been reported. ClinVar contains an entry for this variant (Variation ID: 1600605). Based on the evidence outlined above, the variant was classified as likely benign.

Blueprint Genetics
Classification: Likely benign. Last evaluated: 2024-10-01. Review status: criteria provided, single submitter. Criteria: ACMG Guidelines, 2015. Collection method: clinical testing. Allele origin: germline.

NM_001329943.3(KIAA0586):c.199+23del

Gene: KIAA0586 (KIAA0586; plus strand). Cytogenetic location: 14q23.1.
Variant type: Deletion.
Coding change: c.199+23del on transcript NM_001329943.3 (MANE Select); 23 bases into the intron after coding-DNA position 199, one base deleted (T; older notation c.199+23delT).
Molecular consequence: intron variant.
Genome position (GRCh38, 1-based): chr14:58,428,486, T deleted; the last of 5 consecutive T bases (chr14:58,428,482-58,428,486); deleting any one gives the same sequence. VCF-style (leftmost placement, unchanged base first): chr14-58428481-GT-G. GRCh37 (hg19) VCF-style: chr14-58895199-GT-G.
Other names: c.235+23del (NM_001244189.2); c.154+23del (NM_001244190.2); c.-57+849del (NM_001244192.2, NM_001244191.2); c.199+23del (NM_001329944.2, NM_001329946.2, NM_001329947.2 and 1 more transcripts); c.-57+673del (NM_001364701.2, NM_001329945.2, NM_001364700.1); c.235+23delT (NM_001244189.2).
Identifiers: ClinVar variation 1600605 (VCV001600605.10), dbSNP rs537837939, ClinGen allele CA7205287.
Genomic context (GRCh38, chr14:58,428,481, plus strand): 5'-CTTCCTGTTGGAACGGGGACTAGTTTGAATGGAACATCACGTGGTATGTGATTCCATGTA[GT>G]TTTTCAACCAGTTTTAGTTTAGTAAATCTTTAGTCCTTATTTGTTTAAATTCCCAAACGT-3'